The following is an entry in ClinVar:

ClinVar aggregate classification (germline): Pathogenic. Review status: criteria provided, multiple submitters, no conflicts (2 of 4 stars). 14 submissions from 14 submitters: Pathogenic (9). 5 of the submissions do not count toward it. Last evaluated 2026-01-13.

Conditions:
Methylmalonic aciduria due to complete methylmalonyl-CoA mutase deficiency.
MMUT-related disorder. Also called: MMUT-related condition.
Methylmalonic aciduria due to methylmalonyl-CoA mutase deficiency (MAMM). Also called: Methylmalonic aciduria, mut type. Identifiers: Orphanet 27, MedGen C1855114, MONDO:0009612, OMIM 251000.
Methylmalonic acidemia (MMA). Also called: Isolated Methylmalonic Acidemia. Identifiers: MedGen C0268583, MeSH C537358, MONDO:0002012, HP:0002912.
METHYLMALONIC ACIDURIA, mut(0) TYPE. Identifiers: MedGen C1855115, OMIM 251000.

Allele frequency attached by ClinVar (database versions not stated): gnomAD 0.00002 and 0.00001; ExAC 0.00008; gnomAD exomes 0.00012; TOPMed 0.00006; 1000 Genomes Project 0.00020; 1000 Genomes Project 30x 0.00031.
gnomAD v4.1: 37 of 1,614,052 alleles (0.0023%); highest among the groups gnomAD compares: Admixed American, 0.048%; no homozygotes.

Submissions (14):

3billion
Classification: Pathogenic for Methylmalonic aciduria due to methylmalonyl-CoA mutase deficiency. Last evaluated: 2026-01-13. Review status: criteria provided, single submitter. Criteria: ACMG Guidelines, 2015. Collection method: clinical testing. Allele origin: germline. Affected: yes.
Comment: The variant is observed at an extremely low frequency in the gnomAD v4.1.0 dataset (total allele frequency: 0.002%). Predicted Consequence/Location: Missense variant In silico tool predictions suggest damaging effect of the variant on gene or gene product [REVEL: 0.96 (>=0.6, sensitivity 0.68 and specificity 0.92); 3Cnet: 0.99 (> 0.75, sensitivity 0.96 and precision 0.92)]. The same nucleotide change resulting in the same amino acid change has been previously reported as pathogenic/likely pathogenic with strong evidence (ClinVar ID: VCV000001887 /PMID: 16281286 /3billion dataset). The variant has been reported to be in trans with a pathogenic variant as either compound heterozygous or homozygous in at least 2 similarly affected unrelated individuals (PMID: 24059531, 24464670, 27578510). Different missense changes at the same codon (p.Arg108Gly, p.Arg108His, p.Arg108Leu) have been reported as pathogenic/likely pathogenic with strong evidence (ClinVar ID: VCV000100707, VCV001499832, VCV002740273 /PMID: 11528502, 16281286, 36717752). Therefore, this variant is classified as Pathogenic according to the recommendation of ACMG/AMP guideline.

Labcorp Genetics (formerly Invitae), Labcorp
Classification: Pathogenic. Last evaluated: 2025-12-17. Review status: criteria provided, single submitter. Criteria: Invitae Variant Classification Sherloc (09022015). Collection method: clinical testing. Allele origin: germline.
Comment: This sequence change replaces arginine, which is basic and polar, with cysteine, which is neutral and slightly polar, at codon 108 of the MUT protein (p.Arg108Cys). This variant is present in population databases (rs121918257, gnomAD 0.08%). This missense change has been observed in individual(s) with methylmalonic acidemia (PMID: 2661559, 16281286, 17075691, 22614770, 23045948, 24059531, 24464670, 27578510). In at least one individual the data is consistent with being in trans (on the opposite chromosome) from a pathogenic variant. ClinVar contains an entry for this variant (Variation ID: 1887). Invitae Evidence Modeling of protein sequence and biophysical properties (such as structural, functional, and spatial information, amino acid conservation, physicochemical variation, residue mobility, and thermodynamic stability) indicates that this missense variant is expected to disrupt MUT protein function with a positive predictive value of 95%. This variant disrupts the p.Arg108 amino acid residue in MUT. Other variant(s) that disrupt this residue have been determined to be pathogenic (PMID: 16281286, 17113806, 22614770, 23430940, 25750861). This suggests that this residue is clinically significant, and that variants that disrupt this residue are likely to be disease-causing. For these reasons, this variant has been classified as Pathogenic.

Natera, Inc.
Classification: Pathogenic for Methylmalonic aciduria due to complete methylmalonyl-CoA mutase deficiency. Last evaluated: 2025-09-30. Review status: criteria provided, single submitter. Criteria: Natera Variant Classification Schema (03/2026). Collection method: clinical testing. Allele origin: germline.
Comment: The c.322C>T variant in MMUT is a missense variant predicted to cause substitution of arginine to cysteine at amino acid 108. This variant is rare in the general population with a frequency below the threshold expected for the associated phenotype(s). This variant has been observed in one or more individuals affected with the associated recessive disease, as either homozygous or compound heterozygous with a second variant (PMID: 26790480, 26615597, 16281286). A different variant at the same position has been determined to be Pathogenic or Likely Pathogenic. Computational prediction algorithms indicate this variant is likely to affect gene or protein function. Given the available evidence, this variant is classified as Pathogenic.

Fulgent Genetics
Classification: Pathogenic for Methylmalonic aciduria due to methylmalonyl-CoA mutase deficiency. Last evaluated: 2022-02-18. Review status: criteria provided, single submitter. Criteria: ACMG Guidelines, 2015. Collection method: clinical testing. Allele origin: unknown.

Ambry Genetics
Classification: Pathogenic. Last evaluated: 2021-08-18. Review status: criteria provided, single submitter. Criteria: Ambry Variant Classification Scheme 2023. Collection method: clinical testing. Allele origin: germline.
Comment: The c.322C>T (p.R108C) alteration is located in exon 2 (coding exon 1) of the MUT gene. This alteration results from a C to T substitution at nucleotide position 322, causing the arginine (R) at amino acid position 108 to be replaced by a cysteine (C). Based on data from gnomAD, the T allele has an overall frequency of 0.01% (30/251326) total alleles studied. The highest observed frequency was 0.08% (29/34552) of Latino alleles. This mutation has been reported in the homozygous and compound heterozygous state in several individuals with MUT-related methylmalonic aciduria (Worgan, 2006; Zhang, 2019; Han, 2020). Another alteration at the same codon, p.R108H (c.323G>A), has been detected in individuals with MUT-related methylmalonic aciduria in conjunction with a second MUT alteration (Worgan, 2006; Lempp, 2007). This amino acid position is highly conserved in available vertebrate species. This alteration is predicted to be deleterious by in silico analysis. Based on the available evidence, this alteration is classified as pathogenic.

GeneDx
Classification: Pathogenic. Last evaluated: 2021-03-09. Review status: criteria provided, single submitter. Criteria: GeneDx Variant Classification Process June 2021. Collection method: clinical testing. Allele origin: germline. Affected: yes.
Comment: In silico analysis supports that this missense variant has a deleterious effect on protein structure/function; This variant is associated with the following publications: (PMID: 16281286, 30564975, 24464670, 31622506, 31998365, 31525265, 31466887, 27578510, 29330964, 26454439)

Women's Health and Genetics/Laboratory Corporation of America, LabCorp
Classification: Pathogenic for Methylmalonic acidemia. Last evaluated: 2019-01-14. Review status: criteria provided, single submitter. Criteria: LabCorp Variant Classification Summary - May 2015. Collection method: clinical testing. Allele origin: germline.
Comment: Variant summary: MUT c.322C>T (p.Arg108Cys) results in a non-conservative amino acid change located in the Methylmalonyl-CoA mutase, alpha chain, catalytic domain of the encoded protein sequence. Five of five in-silico tools predict a damaging effect of the variant on protein function. The variant allele was found at a frequency of 0.00011 in 246146 control chromosomes. c.322C>T has been reported in the literature in multiple individuals affected with Methylmalonic Acidemia (Worgan_2006, Harrington_2016). These data indicate that the variant is very likely to be associated with disease. At least one publication reports experimental evidence evaluating an impact on protein function. The most pronounced variant effect results in <10% of normal activity as measured by decreased incorporation of label from carbon-14 labeled propionate into cellular macromolecules (Worgan_2006). Three clinical diagnostic laboratories have submitted clinical-significance assessments for this variant to ClinVar after 2014 without evidence for independent evaluation. All laboratories classified the variant as pathogenic. Based on the evidence outlined above, the variant was classified as pathogenic.

Genetic Services Laboratory, University of Chicago
Classification: Pathogenic for Methylmalonic aciduria, mut(0) type. Last evaluated: 2016-04-06. Review status: criteria provided, single submitter. Criteria: ACMG Guidelines, 2015. Collection method: clinical testing. Allele origin: germline. Affected: yes.

Rady Children's Institute for Genomic Medicine, Rady Children's Hospital San Diego
Classification: Pathogenic for Methylmalonic Acidemia. Review status: criteria provided, single submitter. Criteria: ACMG Guidelines, 2015. Collection method: clinical testing. Allele origin: germline. Affected: yes.
Comment: This variant has been previously reported as a compound heterozygous and homozygous change in patients with methylmalonic acidemia (PMID: 16281286, 17075691, 24059531, 23045948, 2661559, 22614770, 24464670, 27578510). The c.322C>T (p.Arg108Cys) variant is present in the heterozygous state in the gnomAD population database at a frequency of 0.012% (30/251326), and is absent in the homozygous state; thus it is presumed to be rare. The c.322C>T (p.Arg108Cys) variant affects a highly conserved amino acid and is predicted by multiple in silico tools to have a deleterious effect on protein function. Based on the available evidence, the c.322C>T (p.Arg108Cys) variant is classified as a Pathogenic.

PreventionGenetics, part of Exact Sciences
Classification: Pathogenic for MMUT-related condition. Last evaluated: 2024-04-03. Review status: no assertion criteria provided. Collection method: clinical testing. Allele origin: germline. Not counted in ClinVar's aggregate classification.
Comment: The MMUT c.322C>T variant is predicted to result in the amino acid substitution p.Arg108Cys. This variant has been documented as a recurrent variant causative for methylmalonic acidemia, in both the homozygous and compound heterozygous state (e.g., Worgan et al. 2006. PubMed ID: 16281286; Park et al. 2016. PubMed ID: 27578510; Zhang et al. 2019. PubMed ID: 31998365; Brassier et al. 2020. PubMed ID: 31525265; Han et al. 2020. PubMed ID: 31466887). In the homozygous state, it has been reported as a mut0 variant; it is particularly common in individuals of Hispanic descent (Worgan et al. 2006. PubMed ID: 16281286). Based on these observations and the data in the above table, we classify this variant as pathogenic.

OMIM
Classification: Pathogenic for METHYLMALONIC ACIDURIA, mut(0) TYPE. Last evaluated: 2006-01-01. Review status: no assertion criteria provided. Collection method: literature only. Allele origin: germline. Not counted in ClinVar's aggregate classification.

Clinical Genetics DNA and cytogenetics Diagnostics Lab, Erasmus MC, Erasmus Medical Center
Classification: Pathogenic. Review status: no assertion criteria provided. Collection method: clinical testing. Allele origin: germline. Affected: yes. Study: VKGL Data-share Consensus. Not counted in ClinVar's aggregate classification.

GeneReviews
No classification provided. Condition: Methylmalonic aciduria due to methylmalonyl-CoA mutase deficiency. Review status: no classification provided. Collection method: literature only. Allele origin: germline. Affected: yes. Not counted in ClinVar's aggregate classification.
Comment: mut(0) enzymatic subtype when homozygous

Joint Genome Diagnostic Labs from Nijmegen and Maastricht, Radboudumc and MUMC+
Classification: Likely pathogenic. Review status: no assertion criteria provided. Collection method: clinical testing. Allele origin: germline. Affected: yes. Study: VKGL Data-share Consensus. Not counted in ClinVar's aggregate classification.

Literature cited by the submitters: PubMed 24059531 (cited by 3billion and Labcorp Genetics (formerly Invitae), Labcorp); PubMed 11528502 (cited by 3billion); PubMed 16281286 (cited by 7 submitters); PubMed 24464670 (cited by 3billion and Labcorp Genetics (formerly Invitae), Labcorp); PubMed 27578510 (cited by 3billion and Labcorp Genetics (formerly Invitae), Labcorp); PubMed 2661559 (cited by Labcorp Genetics (formerly Invitae), Labcorp); PubMed 17075691 (cited by Labcorp Genetics (formerly Invitae), Labcorp); PubMed 22614770 (cited by Labcorp Genetics (formerly Invitae), Labcorp); PubMed 23045948 (cited by Labcorp Genetics (formerly Invitae), Labcorp); PubMed 17113806 (cited by Labcorp Genetics (formerly Invitae), Labcorp and Ambry Genetics); PubMed 23430940 (cited by Labcorp Genetics (formerly Invitae), Labcorp); PubMed 25750861 (cited by Labcorp Genetics (formerly Invitae), Labcorp); PubMed 26790480 (cited by Natera, Inc. and Women's Health and Genetics/Laboratory Corporation of America, LabCorp); PubMed 26615597 (cited by Natera, Inc.); PubMed 31466887 (cited by Ambry Genetics); PubMed 31998365 (cited by Ambry Genetics); NCBI Bookshelf NBK1231 (cited by GeneReviews).

NM_000255.4(MMUT):c.322C>T (p.Arg108Cys)

Gene: MMUT (methylmalonyl-CoA mutase; minus strand). Cytogenetic location: 6p12.3.
Variant type: single nucleotide variant.
Coding change: c.322C>T on transcript NM_000255.4 (MANE Select); coding-DNA position 322, C replaced by T.
Protein change: p.Arg108Cys; replaces arginine 108 with cysteine.
Molecular consequence: missense variant.
Genome position (GRCh38, 1-based): chr6:49,459,145, G>A on the plus strand (C>T on the coding strand, the complement: MMUT is on the minus strand). VCF-style: chr6-49459145-G-A. GRCh37 (hg19) VCF-style: chr6-49426858-G-A.
Other names: short protein forms R108C.
Identifiers: ClinVar variation 1887 (VCV000001887.29), dbSNP rs121918257, ClinGen allele CA249732.